The following is an entry in ClinVar:

NM_177924.5(ASAH1):c.1042-153G>A

Gene: ASAH1 (N-acylsphingosine amidohydrolase 1; minus strand). Cytogenetic location: 8p22.
Variant type: single nucleotide variant.
Coding change: c.1042-153G>A on transcript NM_177924.5 (MANE Select); 153 bases into the intron before coding-DNA position 1042, G replaced by A.
Molecular consequence: intron variant.
Genome position (GRCh38, 1-based): chr8:18,059,044, C>T on the plus strand (G>A on the coding strand, the complement: ASAH1 is on the minus strand). VCF-style: chr8-18059044-C-T. GRCh37 (hg19) VCF-style: chr8-17916553-C-T.
Other names: c.1090-153G>A (NM_004315.6); c.1024-153G>A (NM_001127505.3); c.847-153G>A (NM_001363743.2).
Identifiers: ClinVar variation 678048 (VCV000678048.2), dbSNP rs7465164, ClinGen allele CA173139757.
Genomic context (GRCh38, chr8:18,059,044, plus strand): 5'-CTTTAATCAACCTCCCCTCCATCCCCGCAGTGGAGTTTCTGTGGGAGTCACTGTTAGAAA[C>T]ACAGGTAACAGTTTTAATGGATTACTTTCCTCTCTCTCCTTCCCCTTTTTTAAATTCTTG-3'

ClinVar aggregate classification (germline): Benign. Review status: criteria provided, multiple submitters, no conflicts (2 of 4 stars). 2 submissions from 2 submitters: Benign (2). Last evaluated 2018-06-19.

Allele frequency attached by ClinVar (database versions not stated): 1000 Genomes Project 30x 0.83588; 1000 Genomes Project 0.84065; TOPMed 0.85077; gnomAD 0.85973 and 0.86623; gnomAD exomes 0.96926.
gnomAD v4.1: 701,081 of 740,102 alleles (95%); highest among the groups gnomAD compares: Non-Finnish European, 99%; 336,562 homozygotes.

Submissions (2):

GeneDx
Classification: Benign. Last evaluated: 2018-06-19. Review status: criteria provided, single submitter. Criteria: GeneDx Variant Classification (06012015). Collection method: clinical testing. Allele origin: germline. Affected: yes.
Comment: This variant is considered likely benign or benign based on one or more of the following criteria: it is a conservative change, it occurs at a poorly conserved position in the protein, it is predicted to be benign by multiple in silico algorithms, and/or has population frequency not consistent with disease.

Breakthrough Genomics
Classification: Benign. Review status: criteria provided, single submitter. Criteria: ACMG Guidelines, 2015. Collection method: not provided. Allele origin: germline. Inheritance: Autosomal recessive inheritance. Affected: yes.